The following is an entry in ClinVar:

ClinVar aggregate classification (germline): Benign/Likely benign. Review status: criteria provided, multiple submitters, no conflicts (2 of 4 stars). 4 submissions from 4 submitters: Benign (1); Likely benign (3). Last evaluated 2024-08-29.

Conditions:
Hereditary cancer-predisposing syndrome. Also called: Hereditary neoplastic syndrome; Hereditary Cancer Syndrome; Neoplastic Syndromes, Hereditary; Tumor predisposition. Identifiers: Orphanet 140162, MedGen C0027672, MeSH D009386, MONDO:0015356.
Familial cancer of breast. Also called: hereditary breast carcinoma; BREAST CANCER, FAMILIAL; Hereditary breast cancer. Identifiers: Orphanet 227535, MedGen C0346153, MONDO:0016419, OMIM 114480. Disease mechanism: loss of function.

Allele frequency attached by ClinVar (database versions not stated): gnomAD exomes below 0.00001.
gnomAD v4.1: 1 of 1,613,950 alleles (0.000062%); highest among the groups gnomAD compares: Non-Finnish European, 0.000085%; no homozygotes.

Submissions (4):

Myriad Genetics, Inc.
Classification: Benign for Familial cancer of breast. Last evaluated: 2024-08-29. Review status: criteria provided, single submitter. Criteria: Myriad Autosomal Dominant, Autosomal Recessive and X-Linked Classification Criteria (2023). Collection method: clinical testing. Allele origin: unknown.
Comment: This variant is considered benign. This variant is a silent/synonymous amino acid change and it is not expected to impact splicing.

Color Diagnostics, LLC DBA Color Health
Classification: Likely benign for Hereditary cancer-predisposing syndrome. Last evaluated: 2019-12-09. Review status: criteria provided, single submitter. Criteria: ACMG Guidelines, 2015. Collection method: clinical testing. Allele origin: germline.

Ambry Genetics
Classification: Likely benign for Hereditary cancer-predisposing syndrome. Last evaluated: 2019-11-18. Review status: criteria provided, single submitter. Criteria: Ambry Variant Classification Scheme 2023. Collection method: clinical testing. Allele origin: germline.

GeneDx
Classification: Likely benign. Last evaluated: 2017-02-07. Review status: criteria provided, single submitter. Criteria: GeneDx Variant Classification (06012015). Collection method: clinical testing. Allele origin: germline. Affected: yes.
Comment: This variant is considered likely benign or benign based on one or more of the following criteria: it is a conservative change, it occurs at a poorly conserved position in the protein, it is predicted to be benign by multiple in silico algorithms, and/or has population frequency not consistent with disease.

NM_032043.3(BRIP1):c.1698C>T (p.Asp566=)

Gene: BRIP1 (BRCA1 interacting DNA helicase 1; minus strand). Cytogenetic location: 17q23.2.
Variant type: single nucleotide variant.
Coding change: c.1698C>T on transcript NM_032043.3 (MANE Select); coding-DNA position 1698, C replaced by T.
Protein change: p.Asp566=; no amino-acid change (aspartic acid 566 retained).
Molecular consequence: synonymous variant.
Genome position (GRCh38, 1-based): chr17:61,780,936, G>A on the plus strand (C>T on the coding strand, the complement: BRIP1 is on the minus strand). VCF-style: chr17-61780936-G-A. GRCh37 (hg19) VCF-style: chr17-59858297-G-A.
Identifiers: ClinVar variation 507350 (VCV000507350.6), dbSNP rs1555602561, ClinGen allele CA501150553.